The following is an entry in ClinVar:

NM_025103.4(IFT74):c.1003C>A (p.Gln335Lys)

Gene: IFT74 (intraflagellar transport 74; plus strand). Cytogenetic location: 9p21.2.
Variant type: single nucleotide variant.
Coding change: c.1003C>A on transcript NM_025103.4 (MANE Select); coding-DNA position 1003, C replaced by A.
Protein change: p.Gln335Lys; replaces glutamine 335 with lysine.
Molecular consequence: missense variant.
Genome position (GRCh38, 1-based): chr9:27,029,053, C>A. VCF-style: chr9-27029053-C-A. GRCh37 (hg19) VCF-style: chr9-27029051-C-A.
Other names: c.1003C>A, p.Gln335Lys (NM_001099222.3, NM_001099223.3, NM_001099224.3 and 1 more transcripts); short protein forms Q335K.
Identifiers: ClinVar variation 2607834 (VCV002607834.3), dbSNP rs571708471, ClinGen allele CA5015477.

ClinVar aggregate classification (germline): Uncertain significance. Review status: criteria provided, multiple submitters, no conflicts (2 of 4 stars). 2 submissions from 2 submitters: Uncertain significance (2). Last evaluated 2026-01-18.

Conditions:
Inborn genetic diseases. Identifiers: MedGen C0950123, MeSH D030342.

Allele frequency attached by ClinVar (database versions not stated): ExAC 0.00003; 1000 Genomes Project 30x 0.00016; 1000 Genomes Project 0.00020.
gnomAD v4.1: 9 of 1,600,912 alleles (0.00056%); highest among the groups gnomAD compares: East Asian, 0.02%; no homozygotes.

Submissions (2):

Labcorp Genetics (formerly Invitae), Labcorp
Classification: Uncertain significance. Last evaluated: 2026-01-18. Review status: criteria provided, single submitter. Criteria: Invitae Variant Classification Sherloc (09022015). Collection method: clinical testing. Allele origin: germline.
Comment: This sequence change replaces glutamine, which is neutral and polar, with lysine, which is basic and polar, at codon 335 of the IFT74 protein (p.Gln335Lys). This variant is present in population databases (rs571708471, gnomAD 0.04%). This variant has not been reported in the literature in individuals affected with IFT74-related conditions. ClinVar contains an entry for this variant (Variation ID: 2607834). An algorithm developed to predict the effect of missense changes on protein structure and function (PolyPhen-2) suggests that this variant is likely to be tolerated. In summary, the available evidence is currently insufficient to determine the role of this variant in disease. Therefore, it has been classified as a Variant of Uncertain Significance.

Ambry Genetics
Classification: Uncertain significance for Inborn genetic diseases. Last evaluated: 2023-06-29. Review status: criteria provided, single submitter. Criteria: Ambry Variant Classification Scheme 2023. Collection method: clinical testing. Allele origin: germline.